The following is an entry in ClinVar:

NM_058216.3(RAD51C):c.240G>A (p.Glu80=)

Gene: RAD51C (RAD51 paralog C; plus strand). Cytogenetic location: 17q22.
Variant type: single nucleotide variant.
Coding change: c.240G>A on transcript NM_058216.3 (MANE Select); coding-DNA position 240, G replaced by A.
Protein change: p.Glu80=; no amino-acid change (glutamic acid 80 retained).
Molecular consequence: synonymous variant. On other transcripts: non-coding transcript variant (2).
Genome position (GRCh38, 1-based): chr17:58,695,025, G>A. VCF-style: chr17-58695025-G-A. GRCh37 (hg19) VCF-style: chr17-56772386-G-A.
Other names: c.240G>A, p.Glu80= (NM_002876.4).
Identifiers: ClinVar variation 187093 (VCV000187093.25), dbSNP rs779053608, ClinGen allele CA196719.

ClinVar aggregate classification (germline): Benign/Likely benign. Review status: criteria provided, multiple submitters, no conflicts (2 of 4 stars). 7 submissions from 7 submitters: Benign (1); Likely benign (5). 1 of the submissions does not count toward it. Last evaluated 2025-10-30.

Conditions:
RAD51C-related disorder. Also called: RAD51C-related condition; RAD51C-related disorders.
Hereditary cancer-predisposing syndrome. Also called: Tumor predisposition; Neoplastic Syndromes, Hereditary; Hereditary neoplastic syndrome; Hereditary Cancer Syndrome. Identifiers: Orphanet 140162, MedGen C0027672, MeSH D009386, MONDO:0015356.
Breast-ovarian cancer, familial, susceptibility to, 3. Also called: RAD51C-Related Breast/Ovarian Cancer. Identifiers: Orphanet 145, MedGen C3150659, MONDO:0013253, OMIM 613399.
Fanconi anemia complementation group O. Also called: RAD51C-Related Fanconi Anemia. Identifiers: Orphanet 84, MedGen C3150653, MONDO:0013248, OMIM 613390.

Allele frequency attached by ClinVar (database versions not stated): gnomAD exomes below 0.00001; gnomAD 0.00001.
gnomAD v4.1: 6 of 1,613,934 alleles (0.00037%); highest among the groups gnomAD compares: Non-Finnish European, 0.00042%; no homozygotes.

Submissions (7):

Labcorp Genetics (formerly Invitae), Labcorp
Classification: Likely benign for Fanconi anemia complementation group O. Last evaluated: 2025-10-30. Review status: criteria provided, single submitter. Criteria: Invitae Variant Classification Sherloc (09022015). Collection method: clinical testing. Allele origin: germline.

Myriad Genetics, Inc.
Classification: Benign for Breast-ovarian cancer, familial, susceptibility to, 3. Last evaluated: 2025-02-14. Review status: criteria provided, single submitter. Criteria: Myriad Autosomal Dominant, Autosomal Recessive and X-Linked Classification Criteria (2023). Collection method: clinical testing. Allele origin: unknown.
Comment: This variant is considered benign. This variant is a silent/synonymous amino acid change and it is not expected to impact splicing.

Blueprint Genetics
Classification: Likely benign. Last evaluated: 2024-07-19. Review status: criteria provided, single submitter. Criteria: ACMG Guidelines, 2015. Collection method: clinical testing. Allele origin: germline.

GeneDx
Classification: Likely benign. Last evaluated: 2021-08-09. Review status: criteria provided, single submitter. Criteria: GeneDx Variant Classification Process June 2021. Collection method: clinical testing. Allele origin: germline. Affected: yes.

Color Diagnostics, LLC DBA Color Health
Classification: Likely benign for Hereditary cancer-predisposing syndrome. Last evaluated: 2015-11-30. Review status: criteria provided, single submitter. Criteria: ACMG Guidelines, 2015. Collection method: clinical testing. Allele origin: germline.

Ambry Genetics
Classification: Likely benign for Hereditary cancer-predisposing syndrome. Last evaluated: 2014-11-10. Review status: criteria provided, single submitter. Criteria: Ambry Variant Classification Scheme 2023. Collection method: clinical testing. Allele origin: germline.

PreventionGenetics, part of Exact Sciences
Classification: Likely benign for RAD51C-related condition. Last evaluated: 2019-07-16. Review status: no assertion criteria provided. Collection method: clinical testing. Allele origin: germline. Not counted in ClinVar's aggregate classification.
Comment: This variant is classified as likely benign based on ACMG/AMP sequence variant interpretation guidelines (Richards et al. 2015 PMID: 25741868, with internal and published modifications).